The following is an entry in ClinVar:

NM_001393769.1(MED12L):c.3480G>A (p.Ala1160=)

Genes: MED12L (mediator complex subunit 12L; plus strand), P2RY12 (purinergic receptor P2Y12; minus strand). Cytogenetic location: 3q25.1.
Variant type: single nucleotide variant.
Coding change: c.3480G>A on transcript NM_001393769.1 (MANE Select); coding-DNA position 3480, G replaced by A.
Protein change: p.Ala1160=; no amino-acid change (alanine 1160 retained).
Molecular consequence: synonymous variant. On other transcripts: intron variant (1).
Genome position (GRCh38, 1-based): chr3:151,368,181, G>A. VCF-style: chr3-151368181-G-A. GRCh37 (hg19) VCF-style: chr3-151085969-G-A.
Other names: c.3375G>A, p.Ala1125= (NM_053002.6); c.-180+16511C>T (NM_022788.5).
Identifiers: ClinVar variation 3905150 (VCV003905150.10).
Genomic context (GRCh38, chr3:151,368,181, plus strand): 5'-AACTTGCTTTTCCAATCCCCCTTTCCTAGCTTGTGGGGATGCGGACGCCGAGCCTGGGGC[G>A]AGAATGACATGCCGACTCTTGCTTCATCTCTTCCGAGCTCCCCAGGCCTGCTTCTTACCT-3'
Protein context (NP_001380698.1, residues 1150-1170): ACGDADAEPG[Ala1160=]RMTCRLLLHL

ClinVar aggregate classification (germline): Likely benign (1 of 4 stars; one submission).

gnomAD v4.1: 261 of 1,613,930 alleles (0.016%); highest among the groups gnomAD compares: Admixed American, 0.1%; no homozygotes.

Submission:

CeGaT Center for Human Genetics Tuebingen
Classification: Likely benign. Last evaluated: 2025-11-01. Review status: criteria provided, single submitter. Criteria: CeGaT Center For Human Genetics Tuebingen Variant Classification Criteria Version 2. Collection method: clinical testing. Allele origin: germline. Affected: yes. Observed: 2 variant alleles.
Comment: MED12L: BP4, BP7